The following is an entry in ClinVar:

ClinVar aggregate classification (germline): Benign/Likely benign. Review status: criteria provided, multiple submitters, no conflicts (2 of 4 stars). 18 submissions from 17 submitters: Benign (11); Likely benign (4). 3 of the submissions do not count toward it. Last evaluated 2026-02-04.

Conditions:
Lissencephaly 4 (LIS4). Also called: Lissencephaly 4 (with microcephaly). Identifiers: Orphanet 1083, MedGen C3151461, MONDO:0013527, OMIM 614019.
Familial thoracic aortic aneurysm and aortic dissection (TAAD). Also called: Thoracic aortic aneurysms and dissections. Identifiers: Orphanet 91387, MedGen C4707243, MONDO:0019625.
Familial aortopathy. Identifiers: MedGen CN078214.
Aortic aneurysm, familial thoracic 4 (AAT4). Also called: AORTIC ANEURYSM/AORTIC DISSECTION AND PATENT DUCTUS ARTERIOSUS. Identifiers: MedGen C1851504, MONDO:0007568, OMIM 132900.

Allele frequency attached by ClinVar (database versions not stated): 1000 Genomes Project 30x 0.00468; 1000 Genomes Project 0.00479; gnomAD 0.01310 and 0.01341; gnomAD exomes 0.01363; ExAC 0.01427; ESP Exome Variant Server 0.01485; TOPMed 0.01094.
gnomAD v4.1: 28,841 of 1,613,842 alleles (1.8%); highest among the groups gnomAD compares: Non-Finnish European, 2.1%; 357 homozygotes.

Submissions (18):

Labcorp Genetics (formerly Invitae), Labcorp
Classification: Benign for Aortic aneurysm, familial thoracic 4. Last evaluated: 2026-02-04. Review status: criteria provided, single submitter. Criteria: Invitae Variant Classification Sherloc (09022015). Collection method: clinical testing. Allele origin: germline.

ARUP Laboratories, Molecular Genetics and Genomics, ARUP Laboratories
Classification: Benign. Last evaluated: 2025-07-29. Review status: criteria provided, single submitter. Criteria: ARUP Molecular Germline Variant Investigation Process 2024. Collection method: clinical testing. Allele origin: germline.

Molecular Diagnostic Laboratory for Inherited Cardiovascular Disease, Montreal Heart Institute
Classification: Benign. Last evaluated: 2025-04-09. Review status: criteria provided, single submitter. Criteria: ACMG Guidelines, 2015. Collection method: clinical testing. Allele origin: germline. Affected: no.
Comment: BS1;BP6;BP7

Blueprint Genetics
Classification: Likely benign. Last evaluated: 2024-11-27. Review status: criteria provided, single submitter. Criteria: ACMG Guidelines, 2015. Collection method: clinical testing. Allele origin: germline.

All of Us Research Program, National Institutes of Health
Classification: Benign for Familial thoracic aortic aneurysm and aortic dissection. Last evaluated: 2024-02-05. Review status: criteria provided, single submitter. Criteria: ACMG Guidelines, 2015. Collection method: clinical testing. Allele origin: germline. Inheritance: Autosomal dominant inheritance. Observed: 3,316 variant alleles, 3,289 heterozygotes, 27 homozygotes.
Comment: This study involves interpretation of variants in research participants for the purpose of population health screening. Participant phenotype was not available at the time of variant classification. Additional details can be found in publication PMID: 35346344, PMCID: PMC8962531

Color Diagnostics, LLC DBA Color Health
Classification: Benign for Familial thoracic aortic aneurysm and aortic dissection. Last evaluated: 2018-03-07. Review status: criteria provided, single submitter. Criteria: ACMG Guidelines, 2015. Collection method: clinical testing. Allele origin: germline.

Illumina Laboratory Services, Illumina
Classification: Likely benign for Aortic aneurysm, familial thoracic 4. Last evaluated: 2018-01-13. Review status: criteria provided, single submitter. Criteria: ICSL Variant Classification Criteria 13 December 2019. Collection method: clinical testing. Allele origin: germline.
Comment: This variant was observed in the ICSL laboratory as part of a predisposition screen in an ostensibly healthy population. It had not been previously curated by ICSL or reported in the Human Gene Mutation Database (HGMD: prior to June 1st, 2018), and was therefore a candidate for classification through an automated scoring system. Utilizing variant allele frequency, disease prevalence and penetrance estimates, and inheritance mode, an automated score was calculated to assess if this variant is too frequent to cause the disease. Based on the score and internal cut-off values, a variant classified as likely benign is not then subjected to further curation. The score for this variant resulted in a classification of likely benign for this disease.

Illumina Laboratory Services, Illumina
Classification: Likely benign for Lissencephaly 4. Last evaluated: 2017-04-27. Review status: criteria provided, single submitter. Criteria: ICSL Variant Classification Criteria 13 December 2019. Collection method: clinical testing. Allele origin: germline.
Comment: This variant was observed as part of a predisposition screen in an ostensibly healthy population. A literature search was performed for the gene, cDNA change, and amino acid change (where applicable). No publications were found based on this search. Allele frequency data from public databases allowed determination this variant is unlikely to cause disease. Therefore, this variant is classified as likely benign.

Mayo Clinic Laboratories, Mayo Clinic
Classification: Benign. Last evaluated: 2015-11-24. Review status: criteria provided, single submitter. Criteria: ACMG Guidelines, 2015. Collection method: clinical testing. Allele origin: germline. Observed: 41 variant alleles.

Ambry Genetics
Classification: Benign for Familial thoracic aortic aneurysm and aortic dissection. Last evaluated: 2015-09-09. Review status: criteria provided, single submitter. Criteria: Ambry Variant Classification Scheme 2023. Collection method: clinical testing. Allele origin: germline.

Laboratory for Molecular Medicine, Mass General Brigham Personalized Medicine
Classification: Benign. Last evaluated: 2013-04-04. Review status: criteria provided, single submitter. Criteria: LMM Criteria. Collection method: clinical testing. Allele origin: germline. Observed: 1 variant allele.
Comment: Lys1597Lys in exon 34 of MYH11: This variant is not expected to have clinical si gnificance because it does not alter an amino acid residue and is not located wi thin the splice consensus sequence. It has been identified in 2.1% (177/8600) of European American chromosomes from a broad population by the NHLBI Exome Sequen cing Project (dbSNP rs11648119).

GeneDx
Classification: Benign. Last evaluated: 2012-11-05. Review status: criteria provided, single submitter. Criteria: GeneDx Variant Classification (06012015). Collection method: clinical testing. Allele origin: germline. Affected: yes.
Comment: This variant is considered likely benign or benign based on one or more of the following criteria: it is a conservative change, it occurs at a poorly conserved position in the protein, it is predicted to be benign by multiple in silico algorithms, and/or has population frequency not consistent with disease.

Women's Health and Genetics/Laboratory Corporation of America, LabCorp
Classification: Benign for Aortopathy. Last evaluated: 2011-08-18. Review status: criteria provided, single submitter. Criteria: LabCorp Variant Classification Summary - May 2015. Collection method: curation. Allele origin: germline. Inheritance: autosomal unknown. Affected: yes.
ClinVar note: Converted during submission from benign to Benign.

Breakthrough Genomics
Classification: Likely benign. Review status: criteria provided, single submitter. Criteria: ACMG Guidelines, 2015. Collection method: not provided. Allele origin: germline. Inheritance: Autosomal recessive inheritance. Affected: yes.

PreventionGenetics, part of Exact Sciences
Classification: Benign. Review status: criteria provided, single submitter. Criteria: ACMG Guidelines, 2015. Collection method: clinical testing. Allele origin: germline.

Clinical Genetics DNA and cytogenetics Diagnostics Lab, Erasmus MC, Erasmus Medical Center
Classification: Benign. Review status: no assertion criteria provided. Collection method: clinical testing. Allele origin: germline. Affected: yes. Study: VKGL Data-share Consensus. Not counted in ClinVar's aggregate classification.

Genome Diagnostics Laboratory, University Medical Center Utrecht
Classification: Benign. Review status: no assertion criteria provided. Collection method: clinical testing. Allele origin: germline. Affected: yes. Study: VKGL Data-share Consensus. Not counted in ClinVar's aggregate classification.

Joint Genome Diagnostic Labs from Nijmegen and Maastricht, Radboudumc and MUMC+
Classification: Benign. Review status: no assertion criteria provided. Collection method: clinical testing. Allele origin: germline. Affected: yes. Study: VKGL Data-share Consensus. Not counted in ClinVar's aggregate classification.

NM_002474.3(MYH11):c.4770G>A (p.Lys1590=)

Genes: MYH11 (myosin heavy chain 11; minus strand), NDE1 (nudE neurodevelopment protein 1; plus strand). Cytogenetic location: 16p13.11.
Variant type: single nucleotide variant.
Coding change: c.4770G>A on transcript NM_002474.3 (MANE Select); coding-DNA position 4770, G replaced by A.
Protein change: p.Lys1590=; no amino-acid change (lysine 1590 retained).
Molecular consequence: synonymous variant. On other transcripts: intron variant (2).
Genome position (GRCh38, 1-based): chr16:15,720,860, C>T on the plus strand (G>A on the coding strand, the complement: MYH11 is on the minus strand). VCF-style: chr16-15720860-C-T. GRCh37 (hg19) VCF-style: chr16-15814717-C-T.
Other names: p.K1590K:AAG>AAA; p.Lys1597Lys; p.Lys1597=; c.4791G>A, p.Lys1597= (NM_001040113.2, NM_001040114.2); c.4770G>A, p.Lys1590= (NM_022844.3); c.948-3331C>T (NM_001143979.2, NM_017668.3).
Identifiers: ClinVar variation 36621 (VCV000036621.47), dbSNP rs11648119, ClinGen allele CA214164.